The following is an entry in ClinVar:

ClinVar aggregate classification (germline): Uncertain significance (1 of 4 stars; one submission).

Allele frequency attached by ClinVar (database versions not stated): gnomAD exomes below 0.00001; TOPMed below 0.00001; gnomAD 0.00001.
gnomAD v4.1: 1 of 1,614,154 alleles (0.000062%); highest among the groups gnomAD compares: Non-Finnish European, 0.000085%; no homozygotes.

Submission:

Labcorp Genetics (formerly Invitae), Labcorp
Classification: Uncertain significance. Last evaluated: 2021-01-02. Review status: criteria provided, single submitter. Criteria: Invitae Variant Classification Sherloc (09022015). Collection method: clinical testing. Allele origin: germline.
Comment: This variant has not been reported in the literature in individuals with CDH3-related conditions. This variant is not present in population databases (ExAC no frequency). This sequence change replaces threonine with proline at codon 796 of the CDH3 protein (p.Thr796Pro). The threonine residue is moderately conserved and there is a small physicochemical difference between threonine and proline. Algorithms developed to predict the effect of missense changes on protein structure and function are either unavailable or do not agree on the potential impact of this missense change (SIFT: "Not Available"; PolyPhen-2: "Probably Damaging"; Align-GVGD: "Not Available"). In summary, the available evidence is currently insufficient to determine the role of this variant in disease. Therefore, it has been classified as a Variant of Uncertain Significance.

NM_001793.6(CDH3):c.2386A>C (p.Thr796Pro)

Gene: CDH3 (cadherin 3; plus strand). Cytogenetic location: 16q22.1.
Variant type: single nucleotide variant.
Coding change: c.2386A>C on transcript NM_001793.6 (MANE Select); coding-DNA position 2386, A replaced by C.
Protein change: p.Thr796Pro; replaces threonine 796 with proline.
Molecular consequence: missense variant. On other transcripts: 3 prime UTR variant (1).
Genome position (GRCh38, 1-based): chr16:68,698,296, A>C. VCF-style: chr16-68698296-A-C. GRCh37 (hg19) VCF-style: chr16-68732199-A-C.
Other names: c.*129A>C (NM_001317195.3); c.2221A>C, p.Thr741Pro (NM_001317196.2); short protein forms T796P, T741P.
Identifiers: ClinVar variation 1499891 (VCV001499891.6), dbSNP rs1476674117, ClinGen allele CA396456835.
Genomic context (GRCh38, chr16:68,698,296, plus strand): 5'-ACCCTCTTGGTGTTCGACTATGAGGGCAGCGGCTCCGACGCCGCGTCCCTGAGCTCCCTC[A>C]CCTCCTCCGCCTCCGACCAAGACCAAGATTACGATTATCTGAACGAGTGGGGCAGCCGCT-3'
Protein context (NP_001784.2, residues 786-806): GSDAASLSSL[Thr796Pro]SSASDQDQDY